The following is an entry in ClinVar:

ClinVar aggregate classification (germline): Benign (0 of 4 stars; one submission).

Conditions:
JPH1-related disorder. Also called: JPH1-related condition.

Allele frequency attached by ClinVar (database versions not stated): gnomAD exomes 0.00141; 1000 Genomes Project 30x 0.00156; 1000 Genomes Project 0.00180; ExAC 0.00185; ESP Exome Variant Server 0.00315; gnomAD 0.00288; TOPMed 0.00300.
gnomAD v4.1: 2,482 of 1,614,112 alleles (0.15%); highest among the groups gnomAD compares: African/African-American, 0.75%; 6 homozygotes.

Submission:

PreventionGenetics, part of Exact Sciences
Classification: Benign for JPH1-related condition. Last evaluated: 2019-06-11. Review status: no assertion criteria provided. Collection method: clinical testing. Allele origin: germline.
Comment: This variant is classified as benign based on ACMG/AMP sequence variant interpretation guidelines (Richards et al. 2015 PMID: 25741868, with internal and published modifications).

NM_020647.4(JPH1):c.1520C>T (p.Thr507Met)

Gene: JPH1 (junctophilin 1; minus strand). Cytogenetic location: 8q21.11.
Variant type: single nucleotide variant.
Coding change: c.1520C>T on transcript NM_020647.4 (MANE Select); coding-DNA position 1520, C replaced by T.
Protein change: p.Thr507Met; replaces threonine 507 with methionine.
Molecular consequence: missense variant.
Genome position (GRCh38, 1-based): chr8:74,244,914, G>A on the plus strand (C>T on the coding strand, the complement: JPH1 is on the minus strand). VCF-style: chr8-74244914-G-A. GRCh37 (hg19) VCF-style: chr8-75157149-G-A.
Other names: c.1520C>T, p.Thr507Met (NM_001317830.2, NM_001363050.1, NM_001363051.1); short protein forms T507M.
Identifiers: ClinVar variation 3033657 (VCV003033657.2), dbSNP rs16938829, ClinGen allele CA4784596.